The following is an entry in ClinVar:

NM_177438.3(DICER1):c.3130C>T (p.Pro1044Ser)

Gene: DICER1 (dicer 1, ribonuclease III; minus strand). Cytogenetic location: 14q32.13.
Variant type: single nucleotide variant.
Coding change: c.3130C>T on transcript NM_177438.3 (MANE Select); coding-DNA position 3130, C replaced by T.
Protein change: p.Pro1044Ser; replaces proline 1044 with serine.
Molecular consequence: missense variant. On other transcripts: non-coding transcript variant (6).
Genome position (GRCh38, 1-based): chr14:95,105,210, G>A on the plus strand (C>T on the coding strand, the complement: DICER1 is on the minus strand). VCF-style: chr14-95105210-G-A. GRCh37 (hg19) VCF-style: chr14-95571547-G-A.
Other names: c.3130C>T, p.Pro1044Ser (NM_001195573.1, NM_001271282.3, NM_001291628.2 and 13 more transcripts); c.2848C>T, p.Pro950Ser (NM_001395686.1); c.2725C>T, p.Pro909Ser (NM_001395687.1, NM_001395688.1, NM_001395689.1 and 2 more transcripts); c.2563C>T, p.Pro855Ser (NM_001395691.1); c.1447C>T, p.Pro483Ser (NM_001395697.1); short protein forms P1044S, P483S, P855S, P909S, P950S.
Identifiers: ClinVar variation 3229359 (VCV003229359.1), dbSNP rs2139987947, ClinGen allele CA390876835.

ClinVar aggregate classification (germline): Uncertain significance (1 of 4 stars; one submission).

Conditions:
Hereditary cancer-predisposing syndrome. Also called: Neoplastic Syndromes, Hereditary; Tumor predisposition; Hereditary neoplastic syndrome; Hereditary Cancer Syndrome. Identifiers: Orphanet 140162, MedGen C0027672, MeSH D009386, MONDO:0015356.

Submission:

Ambry Genetics
Classification: Uncertain significance for Hereditary cancer-predisposing syndrome. Last evaluated: 2023-12-17. Review status: criteria provided, single submitter. Criteria: Ambry Variant Classification Scheme 2023. Collection method: clinical testing. Allele origin: germline.
Comment: The p.P1044S variant (also known as c.3130C>T), located in coding exon 19 of the DICER1 gene, results from a C to T substitution at nucleotide position 3130. The proline at codon 1044 is replaced by serine, an amino acid with similar properties. This amino acid position is conserved. In addition, the in silico prediction for this alteration is inconclusive. Since supporting evidence is limited at this time, the clinical significance of this alteration remains unclear.